The following is an entry in ClinVar:

ClinVar aggregate classification (germline): Uncertain significance (1 of 4 stars; one submission).

Conditions:
Hereditary breast ovarian cancer syndrome. Also called: Hereditary breast and ovarian cancer syndrome (HBOC); Breast and ovarian cancer; Hereditary breast and ovarian cancer syndrome; Hereditary breast and/or ovarian cancer syndrome; BRCA1- and BRCA2-Associated Hereditary Breast and Ovarian Cancer; Hereditary breast and ovarian cancer. Identifiers: Orphanet 145, MedGen C0677776, MeSH D061325, MONDO:0003582. Disease mechanism: loss of function.

Submission:

Labcorp Genetics (formerly Invitae), Labcorp
Classification: Uncertain significance for Hereditary breast ovarian cancer syndrome. Last evaluated: 2023-09-01. Review status: criteria provided, single submitter. Criteria: Invitae Variant Classification Sherloc (09022015). Collection method: clinical testing. Allele origin: germline.
Comment: This sequence change replaces glutamic acid, which is acidic and polar, with lysine, which is basic and polar, at codon 214 of the BRCA2 protein (p.Glu214Lys). This variant is not present in population databases (gnomAD no frequency). This variant has not been reported in the literature in individuals affected with BRCA2-related conditions. ClinVar contains an entry for this variant (Variation ID: 2037517). Advanced modeling of protein sequence and biophysical properties (such as structural, functional, and spatial information, amino acid conservation, physicochemical variation, residue mobility, and thermodynamic stability) performed at Invitae indicates that this missense variant is not expected to disrupt BRCA2 protein function. In summary, the available evidence is currently insufficient to determine the role of this variant in disease. Therefore, it has been classified as a Variant of Uncertain Significance.

NM_000059.4(BRCA2):c.640G>A (p.Glu214Lys)

Gene: BRCA2 (BRCA2 DNA repair associated; plus strand). Cytogenetic location: 13q13.1.
Variant type: single nucleotide variant.
Coding change: c.640G>A on transcript NM_000059.4 (MANE Select); coding-DNA position 640, G replaced by A.
Protein change: p.Glu214Lys; replaces glutamic acid 214 with lysine.
Molecular consequence: missense variant.
Genome position (GRCh38, 1-based): chr13:32,329,451, G>A. VCF-style: chr13-32329451-G-A. GRCh37 (hg19) VCF-style: chr13-32903588-G-A.
Other names: c.640G>A, p.Glu214Lys (NM_001406719.1, NM_001406720.1, NM_001406721.1); c.271G>A, p.Glu91Lys (NM_001406722.1); short protein forms E214K, E91K.
Identifiers: ClinVar variation 2037517 (VCV002037517.2), dbSNP rs2137458179, ClinGen allele CA387759377.